The following is an entry in ClinVar:

ClinVar aggregate classification (germline): Pathogenic (1 of 4 stars; one submission).

gnomAD v4.1: 7 of 1,441,904 alleles (0.00049%); highest among the groups gnomAD compares: Non-Finnish European, 0.00063%; no homozygotes.

Submission:

Labcorp Genetics (formerly Invitae), Labcorp
Classification: Pathogenic. Last evaluated: 2024-01-25. Review status: criteria provided, single submitter. Criteria: Invitae Variant Classification Sherloc (09022015). Collection method: clinical testing. Allele origin: germline.
Comment: This sequence change creates a premature translational stop signal (p.Gln384*) in the AMH gene. While this is not anticipated to result in nonsense mediated decay, it is expected to disrupt the last 177 amino acid(s) of the AMH protein. This variant is present in population databases (no rsID available, gnomAD 0.01%). This variant has not been reported in the literature in individuals affected with AMH-related conditions. This variant disrupts a region of the AMH protein in which other variant(s) (p.Glu389*) have been determined to be pathogenic (PMID: 28528332). This suggests that this is a clinically significant region of the protein, and that variants that disrupt it are likely to be disease-causing. For these reasons, this variant has been classified as Pathogenic.

Literature cited by the submitters: PubMed 28528332.

NM_000479.5(AMH):c.1150C>T (p.Gln384Ter)

Gene: AMH (anti-Mullerian hormone; plus strand). Cytogenetic location: 19p13.3.
Variant type: single nucleotide variant.
Coding change: c.1150C>T on transcript NM_000479.5 (MANE Select); coding-DNA position 1150, C replaced by T.
Protein change: p.Gln384Ter; replaces glutamine 384 with a stop codon.
Molecular consequence: nonsense.
Genome position (GRCh38, 1-based): chr19:2,251,424, C>T. VCF-style: chr19-2251424-C-T. GRCh37 (hg19) VCF-style: chr19-2251423-C-T.
Other names: short protein forms Q384*.
Identifiers: ClinVar variation 3611224 (VCV003611224.2).